The following is an entry in ClinVar:

NM_058216.3(RAD51C):c.145+2T>C

Genes: RAD51C (RAD51 paralog C; plus strand), LOC130061310 (ATAC-STARR-seq lymphoblastoid active region 12491; plus strand). Cytogenetic location: 17q22.
Variant type: single nucleotide variant.
Coding change: c.145+2T>C on transcript NM_058216.3 (MANE Select); the canonical splice donor site of the intron after coding-DNA position 145, T replaced by C.
Molecular consequence: splice donor variant.
Genome position (GRCh38, 1-based): chr17:58,692,790, T>C. VCF-style: chr17-58692790-T-C. GRCh37 (hg19) VCF-style: chr17-56770151-T-C.
Other names: c.145+2T>C (NM_002876.4).
Identifiers: ClinVar variation 2573245 (VCV002573245.1), dbSNP rs1057517641, ClinGen allele CA400337948.

ClinVar aggregate classification (germline): Likely pathogenic (1 of 4 stars; one submission).

Conditions:
Breast-ovarian cancer, familial, susceptibility to, 3. Also called: RAD51C-Related Breast/Ovarian Cancer. Identifiers: Orphanet 145, MedGen C3150659, MONDO:0013253, OMIM 613399.

Submission:

Myriad Genetics, Inc.
Classification: Likely pathogenic for Breast-ovarian cancer, familial, susceptibility to, 3. Last evaluated: 2023-03-22. Review status: criteria provided, single submitter. Criteria: Myriad Autosomal Dominant, Autosomal Recessive and X-Linked Classification Criteria (2023). Collection method: clinical testing. Allele origin: unknown.
Comment: This variant is considered likely pathogenic. This variant occurs within a consensus splice junction and is predicted to result in abnormal mRNA splicing of either an out-of-frame exon or an in-frame exon necessary for protein stability and/or normal function.